The following is an entry in ClinVar:

NM_001173464.2(KIF21A):c.2840T>G (p.Met947Arg)

Gene: KIF21A (kinesin family member 21A; minus strand). Cytogenetic location: 12q12.
Variant type: single nucleotide variant.
Coding change: c.2840T>G on transcript NM_001173464.2 (MANE Select); coding-DNA position 2840, T replaced by G.
Protein change: p.Met947Arg; replaces methionine 947 with arginine.
Molecular consequence: missense variant.
Genome position (GRCh38, 1-based): chr12:39,332,607, A>C on the plus strand (T>G on the coding strand, the complement: KIF21A is on the minus strand). VCF-style: chr12-39332607-A-C. GRCh37 (hg19) VCF-style: chr12-39726409-A-C.
Other names: c.2801T>G (NM_017641.3); c.2801T>G, p.Met934Arg (NM_001173463.2, NM_017641.4); c.2732T>G, p.Met911Arg (NM_001173465.2); c.2840T>G (NM_001173464.1); short protein forms M947R, M934R, M911R.
Identifiers: ClinVar variation 2441 (VCV000002441.6), dbSNP rs121912590, ClinGen allele CA252285.

ClinVar aggregate classification (germline): Conflicting classifications of pathogenicity. Review status: criteria provided, conflicting classifications (1 of 4 stars). 3 submissions from 3 submitters: Pathogenic (1); Uncertain significance (1). 1 of the submissions does not count toward it. Last evaluated 2025-01-28.

Conditions:
KIF21A-related disorder. Also called: KIF21A-related condition.
Inborn genetic diseases. Identifiers: MedGen C0950123, MeSH D030342.
Congenital fibrosis of extraocular muscles type 1. Also called: BLEPHAROPTOSIS WITH ABSENT EYE MOVEMENTS; FEOM1 LOCUS; CFEOM3B; OPHTHALMOPLEGIA, CONGENITAL. Identifiers: MedGen C1851102, MONDO:0021083, OMIM 135700.

Submissions (3):

PreventionGenetics, part of Exact Sciences
Classification: Uncertain significance for KIF21A-related condition. Last evaluated: 2025-01-28. Review status: criteria provided, single submitter. Criteria: ACMG Guidelines, 2015. Collection method: clinical testing. Allele origin: germline.
Comment: The KIF21A c.2840T>G variant is predicted to result in the amino acid substitution p.Met947Arg. This variant can also be denoted as c.2801T>G (p.Met934Arg) using transcript NM_017641. This variant has been reported in an individual with congenital fibrosis of the extraocular muscles (Yamada et al. 2003. PubMed ID: 14595441). Alternate substitutions of this amino acid (p.Met947Val, p.Met947Ile, p.Met947Thr) have also been reported in individuals with congenital fibrosis of the extraocular muscles (Yamada et al. 2003. PubMed ID: 14595441; Yamada et al. 2004. PubMed ID: 15223798; Jia et al. 2022. PubMed ID: 36494820). This variant is absent in a large population database (gnomAD), indicating this variant is rare. Although we suspect that this variant may be pathogenic, at this time, the clinical significance of this variant is uncertain due to the absence of conclusive functional and genetic evidence.

Ambry Genetics
Classification: Pathogenic for Inborn genetic diseases. Last evaluated: 2024-12-26. Review status: criteria provided, single submitter. Criteria: Ambry Variant Classification Scheme 2023. Collection method: clinical testing. Allele origin: germline.
Comment: The c.2801T>G (p.M934R) alteration is located in exon 19 (coding exon 19) of the KIF21A gene. This alteration results from a T to G substitution at nucleotide position 2801, causing the methionine (M) at amino acid position 934 to be replaced by an arginine (R) for KIF21A-related congenital fibrosis of extraocular muscles; however, its clinical significance for autosomal recessive KIF21A-related arthrogryposis multiplex congenita is uncertain. This variant was not reported in population-based cohorts in the Genome Aggregation Database (gnomAD). This variant was reported in individual(s) with features consistent with congenital fibrosis of extraocular muscles; in at least one individual, it was determined to be de novo (Yamada, 2003). Other variant(s) at the same codon, c.2801T>C (p.M934T) and c.2802G>A (p.M934I), have been identified in individual(s) with features consistent with congenital fibrosis of extraocular muscles (Yamada, 2005; Yamada, 2004; Jia, 2022). This amino acid position is well conserved in available vertebrate species. This alteration is predicted to be deleterious by in silico analysis. Based on the available evidence, this alteration is classified as pathogenic.

OMIM
Classification: Pathogenic for CONGENITAL FIBROSIS OF EXTRAOCULAR MUSCLES 1. Last evaluated: 2003-12-01. Review status: no assertion criteria provided. Collection method: literature only. Allele origin: germline. Not counted in ClinVar's aggregate classification.

Literature cited by the submitters: PubMed 14595441 (cited by Ambry Genetics and OMIM); PubMed 15223798 (cited by Ambry Genetics); PubMed 16157808 (cited by Ambry Genetics); PubMed 36494820 (cited by Ambry Genetics).